The following is an entry in ClinVar:

ClinVar aggregate classification (germline): Uncertain significance. Review status: criteria provided, multiple submitters, no conflicts (2 of 4 stars). 2 submissions from 2 submitters: Uncertain significance (2). Last evaluated 2026-01-27.

Conditions:
Atrioventricular septal defect 4 (AVSD4). Identifiers: MedGen C3280781, MONDO:0013747, OMIM 614430.
Cardiovascular phenotype. Identifiers: MedGen CN230736.

Allele frequency attached by ClinVar (database versions not stated): gnomAD exomes 0.00001.
gnomAD v4.1: 6 of 1,614,208 alleles (0.00037%); highest among the groups gnomAD compares: East Asian, 0.013%; no homozygotes.

Submissions (2):

Labcorp Genetics (formerly Invitae), Labcorp
Classification: Uncertain significance for Atrioventricular septal defect 4. Last evaluated: 2026-01-27. Review status: criteria provided, single submitter. Criteria: Invitae Variant Classification Sherloc (09022015). Collection method: clinical testing. Allele origin: germline.
Comment: This sequence change replaces alanine, which is neutral and non-polar, with glycine, which is neutral and non-polar, at codon 433 of the GATA4 protein (p.Ala433Gly). This variant is present in population databases (no rsID available, gnomAD 0.006%). This variant has not been reported in the literature in individuals affected with GATA4-related conditions. ClinVar contains an entry for this variant (Variation ID: 1769267). Invitae Evidence Modeling of protein sequence and biophysical properties (such as structural, functional, and spatial information, amino acid conservation, physicochemical variation, residue mobility, and thermodynamic stability) has been performed for this missense variant. However, the output from this modeling did not meet the statistical confidence thresholds required to predict the impact of this variant on GATA4 protein function. In summary, the available evidence is currently insufficient to determine the role of this variant in disease. Therefore, it has been classified as a Variant of Uncertain Significance.

Ambry Genetics
Classification: Uncertain significance for Cardiovascular phenotype. Last evaluated: 2022-01-17. Review status: criteria provided, single submitter. Criteria: Ambry Variant Classification Scheme 2023. Collection method: clinical testing. Allele origin: germline.
Comment: The p.A433G variant (also known as c.1298C>G), located in coding exon 6 of the GATA4 gene, results from a C to G substitution at nucleotide position 1298. The alanine at codon 433 is replaced by glycine, an amino acid with similar properties. This amino acid position is conserved. In addition, the in silico prediction for this alteration is inconclusive. Since supporting evidence is limited at this time, the clinical significance of this alteration remains unclear.

NM_001308093.3(GATA4):c.1301C>G (p.Ala434Gly)

Gene: GATA4 (GATA binding protein 4). Cytogenetic location: 8p23.1.
Variant type: single nucleotide variant.
Coding change: c.1301C>G on transcript NM_001308093.3 (MANE Select); coding-DNA position 1301, C replaced by G.
Protein change: p.Ala434Gly; replaces alanine 434 with glycine.
Molecular consequence: missense variant.
Genome position (GRCh38, 1-based): chr8:11,758,444, C>G. VCF-style: chr8-11758444-C-G. GRCh37 (hg19) VCF-style: chr8-11615953-C-G.
Other names: c.680C>G, p.Ala227Gly (NM_001308094.2, NM_001374273.1); c.554C>G, p.Ala185Gly (NM_001374274.1); c.1298C>G, p.Ala433Gly (NM_002052.5); short protein forms A227G, A185G, A433G, A434G.
Identifiers: ClinVar variation 1769267 (VCV001769267.4), dbSNP rs1338045470, ClinGen allele CA370315836.